The following is an entry in ClinVar:

ClinVar aggregate classification (germline): Pathogenic (1 of 4 stars; one submission).

Allele frequency attached by ClinVar (database versions not stated): gnomAD exomes below 0.00001; TOPMed below 0.00001; ExAC 0.00001; gnomAD 0.00001.

Submission:

Labcorp Genetics (formerly Invitae), Labcorp
Classification: Pathogenic. Last evaluated: 2024-03-27. Review status: criteria provided, single submitter. Criteria: Invitae Variant Classification Sherloc (09022015). Collection method: clinical testing. Allele origin: germline.
Comment: This sequence change creates a premature translational stop signal (p.Val231Glufs*3) in the ASNS gene. It is expected to result in an absent or disrupted protein product. Loss-of-function variants in ASNS are known to be pathogenic (PMID: 27422383, 30057589). This variant is present in population databases (rs767368474, gnomAD 0.008%). This variant has not been reported in the literature in individuals affected with ASNS-related conditions. For these reasons, this variant has been classified as Pathogenic.

Literature cited by the submitters: PubMed 27422383; PubMed 30057589.

NM_001673.5(ASNS):c.687_691dup (p.Val231fs)

Genes: ASNS (asparagine synthetase (glutamine-hydrolyzing); minus strand), CZ1P-ASNS (CZ1P-ASNS readthrough; minus strand). Cytogenetic location: 7q21.3.
Variant type: Duplication.
Coding change: c.687_691dup on transcript NM_001673.5 (MANE Select); coding-DNA positions 687 to 691, 5 bases duplicated (AACTG; older notation c.687_691dupAACTG).
Protein change: p.Val231fs; shifts the reading frame from valine 231.
Molecular consequence: frameshift variant. On other transcripts: non-coding transcript variant (1).
Genome position (GRCh38, 1-based): chr7:97,858,938-97,858,942, CAGTT duplicated on the plus strand (AACTG on the coding strand, the reverse complement: ASNS is on the minus strand). VCF-style (leftmost placement, unchanged base first): chr7-97858937-A-ACAGTT. GRCh37 (hg19) VCF-style: chr7-97488249-A-ACAGTT.
Other names: c.624_628dup, p.Val210fs (NM_001178075.2); c.438_442dup, p.Val148fs (NM_001178076.2, NM_001178077.1); c.687_691dup, p.Val231fs (NM_001352496.2, NM_133436.3, NM_183356.4); short protein forms V231fs, V210fs, V148fs.
Identifiers: ClinVar variation 2781386 (VCV002781386.3), dbSNP rs767368474, ClinGen allele CA4354709.